The following is an entry in ClinVar:

ClinVar aggregate classification (germline): Pathogenic. Review status: reviewed by expert panel (3 of 4 stars). 7 submissions from 7 submitters: Pathogenic (1). 6 of the submissions do not count toward it. Last evaluated 2016-09-08.

Conditions:
Hereditary cancer-predisposing syndrome. Also called: Neoplastic Syndromes, Hereditary; Hereditary Cancer Syndrome; Hereditary neoplastic syndrome; Tumor predisposition. Identifiers: Orphanet 140162, MedGen C0027672, MeSH D009386, MONDO:0015356.
Hereditary breast ovarian cancer syndrome. Also called: Hereditary breast and ovarian cancer syndrome; Hereditary breast and/or ovarian cancer syndrome; BRCA1- and BRCA2-Associated Hereditary Breast and Ovarian Cancer; Hereditary breast and ovarian cancer; Breast and ovarian cancer; Hereditary breast and ovarian cancer syndrome (HBOC). Identifiers: Orphanet 145, MedGen C0677776, MeSH D061325, MONDO:0003582. Disease mechanism: loss of function.
Breast-ovarian cancer, familial, susceptibility to, 2 (BROVCA2). Also called: BRCA2 Hereditary Breast and Ovarian Cancer. Identifiers: Orphanet 145, MedGen C2675520, MONDO:0012933, OMIM 612555. Disease mechanism: loss of function.

Submissions (7):

Evidence-based Network for the Interpretation of Germline Mutant Alleles (ENIGMA)
Classification: Pathogenic for Breast-ovarian cancer, familial, susceptibility to, 2. Last evaluated: 2016-09-08. Review status: reviewed by expert panel. Criteria: ENIGMA BRCA1/2 Classification Criteria (2015). Collection method: curation. Allele origin: germline.
Comment: Variant allele predicted to encode a truncated non-functional protein.

Labcorp Genetics (formerly Invitae), Labcorp
Classification: Pathogenic for Hereditary breast ovarian cancer syndrome. Last evaluated: 2025-10-07. Review status: criteria provided, single submitter. Criteria: Invitae Variant Classification Sherloc (09022015). Collection method: clinical testing. Allele origin: germline. Not counted in ClinVar's aggregate classification.
Comment: This sequence change creates a premature translational stop signal (p.Ser1788Phefs*19) in the BRCA2 gene. It is expected to result in an absent or disrupted protein product. Loss-of-function variants in BRCA2 are known to be pathogenic (PMID: 20104584). This variant is not present in population databases (gnomAD no frequency). This premature translational stop signal has been observed in individual(s) with an increased risk of breast cancer (PMID: 30154229). ClinVar contains an entry for this variant (Variation ID: 141572). For these reasons, this variant has been classified as Pathogenic.

Ambry Genetics
Classification: Pathogenic for Hereditary cancer-predisposing syndrome. Last evaluated: 2024-06-21. Review status: criteria provided, single submitter. Criteria: Ambry Variant Classification Scheme 2023. Collection method: clinical testing. Allele origin: germline. Not counted in ClinVar's aggregate classification.
Comment: The c.5362dupT pathogenic mutation, located in coding exon 10 of the BRCA2 gene, results from a duplication of T at nucleotide position 5362, causing a translational frameshift with a predicted alternate stop codon (p.S1788Ffs*19). This variant is considered to be rare based on population cohorts in the Genome Aggregation Database (gnomAD). This alteration is expected to result in loss of function by premature protein truncation or nonsense-mediated mRNA decay. As such, this alteration is interpreted as a disease-causing mutation.

GeneDx
Classification: Pathogenic. Last evaluated: 2017-01-30. Review status: criteria provided, single submitter. Criteria: GeneDx Variant Classification (06012015). Collection method: clinical testing. Allele origin: germline. Affected: yes. Not counted in ClinVar's aggregate classification.
Comment: This duplication of one nucleotide in BRCA2 is denoted c.5362dupT at the cDNA level and p.Ser1788PhefsX19 (S1788FfsX19) at the protein level. Using alternate nomenclature, this variant would be defined as BRCA2 5590dupT. The normal sequence, with the base that is duplicated in brackets, is GTTTT[dupT]CCAA. The duplication causes a frameshift which changes a Serine to a Phenylalanine at codon 1788, and creates a premature stop codon at position 19 of the new reading frame. Although this variant has not, to our knowledge, been reported in the literature, it is predicted to cause loss of normal protein function through either protein truncation or nonsense-mediated mRNA decay. We consider this variant to be pathogenic.

Women's Health and Genetics/Laboratory Corporation of America, LabCorp
Classification: Likely pathogenic for Hereditary breast ovarian cancer syndrome. Last evaluated: 2016-05-18. Review status: criteria provided, single submitter. Criteria: LabCorp Variant Classification Summary - May 2015. Collection method: clinical testing. Allele origin: germline. Not counted in ClinVar's aggregate classification.
Comment: Variant summary: The BRCA2 c.5362dupT (p.Ser1788Phefs) variant results in a premature termination codon, predicted to cause a truncated or absent BRCA2 protein due to nonsense mediated decay, which are commonly known mechanisms for disease. Truncations downstream of this position have been classified as pathogenic by our laboratory (e.g.c.5386_5387delGA/p.Asp1796fs). One in silico tool predicts a damaging outcome for this variant. This variant is absent in 120684 control chromosomes. In addition, one clinical diagnostic laboratory classified this variant as pathogenic. The variant of interest has not, to our knowledge, been reported in affected individuals via publications; nor evaluated for functional impact by in vivo/vitro studies. Taken together, this variant is classified as likely pathogenic until more information becomes available.

BRCAlab, Lund University
Classification: Pathogenic for Breast-ovarian cancer, familial, susceptibility to, 2. Last evaluated: 2022-08-26. Review status: no assertion criteria provided. Collection method: clinical testing. Allele origin: germline. Affected: yes. Not counted in ClinVar's aggregate classification.

Research Molecular Genetics Laboratory, Women's College Hospital, University of Toronto
Classification: Pathogenic for Hereditary breast ovarian cancer syndrome. Last evaluated: 2014-01-31. Review status: no assertion criteria provided. Collection method: research. Allele origin: germline. Affected: yes. Study: The Canadian Open Genetics Repository (COGR). Not counted in ClinVar's aggregate classification.

Literature cited by the submitters: PubMed 20104584 (cited by Labcorp Genetics (formerly Invitae), Labcorp); PubMed 30154229 (cited by Labcorp Genetics (formerly Invitae), Labcorp).

NM_000059.4(BRCA2):c.5362dup (p.Ser1788fs)

Gene: BRCA2 (BRCA2 DNA repair associated; plus strand). Cytogenetic location: 13q13.1.
Variant type: Duplication.
Coding change: c.5362dup on transcript NM_000059.4 (MANE Select); coding-DNA position 5362, one base duplicated (T; older notation c.5362dupT).
Protein change: p.Ser1788fs; shifts the reading frame from serine 1788.
Molecular consequence: frameshift variant.
Genome position (GRCh38, 1-based): chr13:32,339,717, T duplicated; the last of 5 consecutive T bases (chr13:32,339,713-32,339,717); duplicating any one gives the same sequence. VCF-style (leftmost placement, unchanged base first): chr13-32339712-G-GT. GRCh37 (hg19) VCF-style: chr13-32913849-G-GT.
Other names: c.5362dupT (NM_000059.3); short protein forms S1788fs.
Identifiers: ClinVar variation 141572 (VCV000141572.37), dbSNP rs587781849, ClinGen allele CA165826.
Genomic context (GRCh38, chr13:32,339,712, plus strand): 5'-ATAAACTTGATTCTGGTATTGAGCCAGTATTGAAGAATGTTGAAGATCAAAAAAACACTA[G>GT]TTTTTCCAAAGTAATATCCAATGTAAAAGATGCAAATGCATACCCACAAACTGTAAATGA-3'